The following is an entry in ClinVar:

ClinVar aggregate classification (germline): Benign. Review status: criteria provided, multiple submitters, no conflicts (2 of 4 stars). 8 submissions from 8 submitters: Benign (5). 3 of the submissions do not count toward it. Last evaluated 2026-02-04.

Conditions:
3-methylglutaconic aciduria with deafness, encephalopathy, and Leigh-like syndrome (MEGDEL). Also called: MEGDEL syndrome; 3-METHYLGLUTACONIC ACIDURIA, TYPE VI; SERAC1 Deficiency. Identifiers: Orphanet 352328, MedGen C4040739, MONDO:0013875, OMIM 614739.

Allele frequency attached by ClinVar (database versions not stated): ESP Exome Variant Server 0.70514; gnomAD exomes 0.70828 and 0.72387; 1000 Genomes Project 30x 0.71034; 1000 Genomes Project 0.71386; ExAC 0.71735; gnomAD 0.71772 and 0.71794; TOPMed 0.72333.
gnomAD v4.1: 1,102,505 of 1,554,476 alleles (71%); highest among the groups gnomAD compares: Admixed American, 83%; 393,101 homozygotes.

Submissions (8):

Labcorp Genetics (formerly Invitae), Labcorp
Classification: Benign for 3-methylglutaconic aciduria with deafness, encephalopathy, and Leigh-like syndrome. Last evaluated: 2026-02-04. Review status: criteria provided, single submitter. Criteria: Invitae Variant Classification Sherloc (09022015). Collection method: clinical testing. Allele origin: germline.

Blueprint Genetics
Classification: Benign. Last evaluated: 2024-11-27. Review status: criteria provided, single submitter. Criteria: ACMG Guidelines, 2015. Collection method: clinical testing. Allele origin: germline.

Genome-Nilou Lab
Classification: Benign for 3-methylglutaconic aciduria with deafness, encephalopathy, and Leigh-like syndrome. Last evaluated: 2021-07-15. Review status: criteria provided, single submitter. Criteria: ACMG Guidelines, 2015. Collection method: clinical testing. Allele origin: germline. Affected: no.

Laboratory for Molecular Medicine, Mass General Brigham Personalized Medicine
Classification: Benign. Last evaluated: 2016-03-29. Review status: criteria provided, single submitter. Criteria: LMM Criteria. Collection method: clinical testing. Allele origin: germline.
Comment: Variant identified in a genome or exome case(s) and assessed due to predicted null impact of the variant or pathogenic assertions in the literature or databases. Disclaimer: This variant has not undergone full assessment. The following are preliminary notes: Frequency

GeneDx
Classification: Benign. Last evaluated: 2013-09-05. Review status: criteria provided, single submitter. Criteria: GeneDx Variant Classification (06012015). Collection method: clinical testing. Allele origin: germline. Affected: yes.
Comment: This variant is considered likely benign or benign based on one or more of the following criteria: it is a conservative change, it occurs at a poorly conserved position in the protein, it is predicted to be benign by multiple in silico algorithms, and/or has population frequency not consistent with disease.

Mayo Clinic Laboratories, Mayo Clinic
Classification: Benign. Last evaluated: 2016-02-19. Review status: no assertion criteria provided. Collection method: clinical testing. Allele origin: unknown. Not counted in ClinVar's aggregate classification.

Diagnostic Laboratory, Department of Genetics, University Medical Center Groningen
Classification: Benign. Review status: no assertion criteria provided. Collection method: clinical testing. Allele origin: germline. Affected: yes. Study: VKGL Data-share Consensus. Not counted in ClinVar's aggregate classification.

Joint Genome Diagnostic Labs from Nijmegen and Maastricht, Radboudumc and MUMC+
Classification: Benign. Review status: no assertion criteria provided. Collection method: clinical testing. Allele origin: germline. Affected: yes. Study: VKGL Data-share Consensus. Not counted in ClinVar's aggregate classification.

NM_032861.4(SERAC1):c.249C>T (p.Asp83=)

Gene: SERAC1 (serine active site containing 1; minus strand). Cytogenetic location: 6q25.3.
Variant type: single nucleotide variant.
Coding change: c.249C>T on transcript NM_032861.4 (MANE Select); coding-DNA position 249, C replaced by T.
Protein change: p.Asp83=; no amino-acid change (aspartic acid 83 retained).
Molecular consequence: synonymous variant. On other transcripts: non-coding transcript variant (1).
Genome position (GRCh38, 1-based): chr6:158,150,469, G>A on the plus strand (C>T on the coding strand, the complement: SERAC1 is on the minus strand). VCF-style: chr6-158150469-G-A. GRCh37 (hg19) VCF-style: chr6-158571501-G-A.
Other names: p.D83D:GAC>GAT.
Identifiers: ClinVar variation 139093 (VCV000139093.24), dbSNP rs6929274, ClinGen allele CA293464.
Genomic context (GRCh38, chr6:158,150,469, plus strand): 5'-CTAGCTTCCATTTTTCACAGAGGATTACTTTACAATAAACTTACCATGATTTTCTCCTTT[G>A]TCTAAAGAAACTGTGTGCACATATATATATGACTTCATTTTTTCTCGTTCTACCACTTGA-3'
Protein context (NP_116250.3, residues 73-93): SYIYVHTVSL[Asp83=]KGENHGIAWQ